The following is an entry in ClinVar:

ClinVar aggregate classification (germline): Likely pathogenic (1 of 4 stars; one submission).

Conditions:
Landau-Kleffner syndrome (FESD). Also called: APHASIA, ACQUIRED, WITH EPILEPSY; EPILEPSY, FOCAL, WITH SPEECH DISORDER AND WITH OR WITHOUT MENTAL RETARDATION. Identifiers: Orphanet 1945, Orphanet 725, Orphanet 98818, MedGen C0282512, MONDO:0009509, OMIM 245570.

Submission:

Labcorp Genetics (formerly Invitae), Labcorp
Classification: Likely pathogenic for Landau-Kleffner syndrome. Last evaluated: 2023-07-31. Review status: criteria provided, single submitter. Criteria: Invitae Variant Classification Sherloc (09022015). Collection method: clinical testing. Allele origin: germline.
Comment: In summary, the currently available evidence indicates that the variant is pathogenic, but additional data are needed to prove that conclusively. Therefore, this variant has been classified as Likely Pathogenic. Experimental studies and prediction algorithms are not available or were not evaluated, and the functional significance of this variant is currently unknown. This variant has been observed in individual(s) with clinical features of developmental and epileptic encephalopathy (Invitae). In at least one individual the variant was observed to be de novo. This variant is not present in population databases (gnomAD no frequency). This variant, c.2368_2370del, results in the deletion of 1 amino acid(s) of the GRIN2A protein (p.Glu790del), but otherwise preserves the integrity of the reading frame.

NM_001134407.3(GRIN2A):c.2365GAG[1] (p.Glu790del)

Gene: GRIN2A (glutamate ionotropic receptor NMDA type subunit 2A; minus strand). Cytogenetic location: 16p13.2.
Variant type: Microsatellite.
Coding change: c.2365GAG[1] on transcript NM_001134407.3 (MANE Select); one copy of the 3-base unit GAG starting at c.2365; the reference has two copies in a row; one copy, 3 bases deleted.
Protein change: p.Glu790del; deletes glutamic acid 790.
Molecular consequence: inframe deletion.
Genome position (GRCh38, 1-based): chr16:9,769,076-9,769,078, CTC deleted on the plus strand (GAG on the coding strand, the reverse complement: GRIN2A is on the minus strand); deleting any 3 consecutive bases within chr16:9,769,076-9,769,082 gives the same sequence; the position shown is the placement nearest the transcript's 3' end. VCF-style (leftmost placement, unchanged base first): chr16-9769075-GCTC-G. GRCh37 (hg19) VCF-style: chr16-9862932-GCTC-G.
Other names: c.2365GAG[1], p.Glu790del (NM_000833.5, NM_001134408.2); short protein forms E790del.
Identifiers: ClinVar variation 2713360 (VCV002713360.3), dbSNP rs2505980836, ClinGen allele CA2697555662.
Genomic context (GRCh38, chr16:9,769,075, plus strand): 5'-GGCTGCTCATCACCTCGTTCTTCTCGTTGTGGCAGATCCCAGTGAGCCACAGGGTCTCCA[GCTC>G]CTCCATCTCACCTGGACAGATCACAACATTCACAGGCAGTGAGGACCAGAACATGCACTT-3'